The following is an entry in ClinVar:

NM_001394894.2(NLRP11):c.2454C>T (p.Tyr818=)

Gene: NLRP11 (NLR family pyrin domain containing 11; minus strand). Cytogenetic location: 19q13.42.
Variant type: single nucleotide variant.
Coding change: c.2454C>T on transcript NM_001394894.2 (MANE Select); coding-DNA position 2454, C replaced by T.
Protein change: p.Tyr818=; no amino-acid change (tyrosine 818 retained).
Molecular consequence: synonymous variant. On other transcripts: non-coding transcript variant (3).
Genome position (GRCh38, 1-based): chr19:55,792,360, G>A on the plus strand (C>T on the coding strand, the complement: NLRP11 is on the minus strand). VCF-style: chr19-55792360-G-A. GRCh37 (hg19) VCF-style: chr19-56303726-G-A.
Other names: c.2157C>T, p.Tyr719= (NM_001297743.3); c.2292C>T, p.Tyr764= (NM_001385451.2); c.2454C>T, p.Tyr818= (NM_001385453.2, NM_145007.5).
Identifiers: ClinVar variation 103275 (VCV000103275.3), dbSNP rs199475861, ClinGen allele CA230351.

ClinVar aggregate classification (germline): not provided (0 of 4 stars; one submission).

Allele frequency attached by ClinVar (database versions not stated): gnomAD exomes 0.00001 and 0.00002; ExAC 0.00002; TOPMed 0.00005; gnomAD 0.00007 and 0.00008; ESP Exome Variant Server 0.00008.
gnomAD v4.1: 29 of 1,614,142 alleles (0.0018%); highest among the groups gnomAD compares: African/African-American, 0.021%; no homozygotes.

Submission:

Human Evolutionary Genetics, Institut Pasteur
No classification provided. Review status: no classification provided. Collection method: not provided. Allele origin: germline.
ClinVar note: Converted during submission from untested to not provided.